The following is an entry in ClinVar:

NM_153702.4(ELMOD2):c.428A>C (p.Lys143Thr)

Gene: ELMOD2 (ELMO domain containing 2; plus strand). Cytogenetic location: 4q31.1.
Variant type: single nucleotide variant.
Coding change: c.428A>C on transcript NM_153702.4 (MANE Select); coding-DNA position 428, A replaced by C.
Protein change: p.Lys143Thr; replaces lysine 143 with threonine.
Molecular consequence: missense variant.
Genome position (GRCh38, 1-based): chr4:140,540,196, A>C. VCF-style: chr4-140540196-A-C. GRCh37 (hg19) VCF-style: chr4-141461350-A-C.
Other names: short protein forms K143T.
Identifiers: ClinVar variation 226630 (VCV000226630.6), dbSNP rs142450830, ClinGen allele CA3086454.

ClinVar aggregate classification (germline): Benign/Likely benign. Review status: criteria provided, multiple submitters, no conflicts (2 of 4 stars). 3 submissions from 3 submitters: Benign (2); Likely benign (1). Last evaluated 2024-11-25.

Allele frequency attached by ClinVar (database versions not stated): ESP Exome Variant Server 0.00015; TOPMed 0.00107; gnomAD 0.00314 and 0.00323; ExAC 0.00404; gnomAD exomes 0.00435; 1000 Genomes Project 30x 0.00500; 1000 Genomes Project 0.00579.
gnomAD v4.1: 2,945 of 1,614,188 alleles (0.18%); highest among the groups gnomAD compares: East Asian, 1.9%; 33 homozygotes.

Submissions (3):

Blueprint Genetics
Classification: Likely benign. Last evaluated: 2024-11-25. Review status: criteria provided, single submitter. Criteria: ACMG Guidelines, 2015. Collection method: clinical testing. Allele origin: germline.

Laboratory for Molecular Medicine, Mass General Brigham Personalized Medicine
Classification: Benign. Last evaluated: 2013-02-21. Review status: criteria provided, single submitter. Criteria: LMM Criteria. Collection method: clinical testing. Allele origin: germline. Observed: 1 variant allele.
Comment: Lys143Thr in exon 6 of ELMOD2: This variant is not expected to have clinical sig nificance because it has been identified in 3.6% (7/194) of Han Chinese chromoso mes from a broad population by the 1000 Genomes Project (.gov/projects/SNP; dbSNP rs142450830).

Breakthrough Genomics
Classification: Benign. Review status: criteria provided, single submitter. Criteria: ACMG Guidelines, 2015. Collection method: not provided. Allele origin: germline. Inheritance: Unknown mechanism. Affected: yes.